The following is an entry in ClinVar:

NM_001113378.2(FANCI):c.1816del (p.Tyr606fs)

Gene: FANCI (FA complementation group I; plus strand). Cytogenetic location: 15q26.1.
Variant type: Deletion.
Coding change: c.1816del on transcript NM_001113378.2 (MANE Select); coding-DNA position 1816, one base deleted (T; older notation c.1816delT).
Protein change: p.Tyr606fs; shifts the reading frame from tyrosine 606.
Molecular consequence: frameshift variant.
Genome position (GRCh38, 1-based): chr15:89,285,213, T deleted; the last of 3 consecutive T bases (chr15:89,285,211-89,285,213); deleting any one gives the same sequence. VCF-style (leftmost placement, unchanged base first): chr15-89285210-CT-C. GRCh37 (hg19) VCF-style: chr15-89828441-CT-C.
Other names: c.1537del, p.Tyr513fs (NM_001376910.1); c.1816del, p.Tyr606fs (NM_001376911.1, NM_018193.3); short protein forms Y513fs, Y606fs.
Identifiers: ClinVar variation 2831476 (VCV002831476.3), dbSNP rs2507058720, ClinGen allele CA2739269716.

ClinVar aggregate classification (germline): Pathogenic (1 of 4 stars; one submission).

Conditions:
Fanconi anemia (FA). Also called: Fanconi's anemia. Identifiers: Orphanet 84, MedGen C0015625, MeSH D005199, MONDO:0019391.

Submission:

Labcorp Genetics (formerly Invitae), Labcorp
Classification: Pathogenic for Fanconi anemia. Last evaluated: 2023-01-24. Review status: criteria provided, single submitter. Criteria: Invitae Variant Classification Sherloc (09022015). Collection method: clinical testing. Allele origin: germline.
Comment: This sequence change creates a premature translational stop signal (p.Tyr606Metfs*26) in the FANCI gene. It is expected to result in an absent or disrupted protein product. Loss-of-function variants in FANCI are known to be pathogenic (PMID: 17452773, 17460694). This variant is not present in population databases (gnomAD no frequency). This variant has not been reported in the literature in individuals affected with FANCI-related conditions. For these reasons, this variant has been classified as Pathogenic.

Literature cited by the submitters: PubMed 17452773; PubMed 17460694.